The following is an entry in ClinVar:

ClinVar aggregate classification (germline): Pathogenic/Likely pathogenic. Review status: no assertion criteria provided (0 of 4 stars). 2 submissions from 2 submitters: Pathogenic (1); Likely pathogenic (1). Last evaluated 2024-11-05.

Conditions:
Beckwith-Wiedemann syndrome (BWS). Also called: Exomphalos macroglossia gigantism syndrome; EMG SYNDROME. Identifiers: Orphanet 116, MedGen C0004903, MONDO:0007534, OMIM 130650.

Submissions (2):

Gharavi Laboratory, Columbia University
Classification: Likely pathogenic for Beckwith-Wiedemann syndrome. Last evaluated: 2024-11-05. Review status: no assertion criteria provided. Criteria: ACMG Guidelines, 2015. Collection method: case-control. Allele origin: germline. Affected: yes.

Centre de Recherche Saint Antoine,  Université Pierre et Marie Curie
Classification: Pathogenic for Beckwith-Wiedemann syndrome. Review status: no assertion criteria provided. Collection method: not provided. Allele origin: unknown.
ClinVar note: Converted during submission from pathogenic to Pathogenic.

NM_001122630.2(CDKN1C):c.416del (p.Pro139fs)

Gene: CDKN1C (cyclin dependent kinase inhibitor 1C; minus strand). Cytogenetic location: 11p15.4.
Variant type: Deletion.
Coding change: c.416del on transcript NM_001122630.2 (MANE Select); coding-DNA position 416, one base deleted (C; older notation c.416delC).
Protein change: p.Pro139fs; shifts the reading frame from proline 139.
Molecular consequence: frameshift variant. On other transcripts: intron variant (1).
Genome position (GRCh38, 1-based): chr11:2,885,041, G deleted on the plus strand (C on the coding strand, the reverse complement: CDKN1C is on the minus strand); the first of 5 consecutive G bases (chr11:2,885,041-2,885,045); deleting any one gives the same sequence. VCF-style (leftmost placement, unchanged base first): chr11-2885040-TG-T. GRCh37 (hg19) VCF-style: chr11-2906270-TG-T.
Other names: c.416del, p.Pro139fs (NM_001122631.2); c.449del, p.Pro150fs (NM_001362474.2); c.255+161del (NM_001362475.2); c.445delC (NM_000076.2); c.445del, p.Pro150fs (LRG_533t1); c.416delC (NM_001122630.2); short protein forms P150fs, P139fs.
Identifiers: ClinVar variation 192352 (VCV000192352.3), dbSNP rs786205234, ClinGen allele CA274877.